The following is an entry in ClinVar:

NM_025114.4(CEP290):c.4045A>G (p.Met1349Val)

Gene: CEP290 (centrosomal protein 290; minus strand). Cytogenetic location: 12q21.32.
Variant type: single nucleotide variant.
Coding change: c.4045A>G on transcript NM_025114.4 (MANE Select); coding-DNA position 4045, A replaced by G.
Protein change: p.Met1349Val; replaces methionine 1349 with valine.
Molecular consequence: missense variant.
Genome position (GRCh38, 1-based): chr12:88,087,929, T>C on the plus strand (A>G on the coding strand, the complement: CEP290 is on the minus strand). VCF-style: chr12-88087929-T-C. GRCh37 (hg19) VCF-style: chr12-88481706-T-C.
Other names: short protein forms M1349V.
Identifiers: ClinVar variation 461784 (VCV000461784.13), dbSNP rs923112337, ClinGen allele CA241163013.

ClinVar aggregate classification (germline): Uncertain significance. Review status: criteria provided, multiple submitters, no conflicts (2 of 4 stars). 4 submissions from 4 submitters: Uncertain significance (3). 1 of the submissions does not count toward it. Last evaluated 2026-07-13.

Conditions:
CEP290-related disorder. Also called: CEP290-related disorders; CEP290-related condition. Identifiers: MedGen CN239314.
Joubert syndrome 5 (JBTS5). Identifiers: Orphanet 2318, MedGen C1857780, MONDO:0012432, OMIM 610188.
Meckel syndrome, type 4 (MKS4). Also called: MECKEL-GRUBER SYNDROME, TYPE 4. Identifiers: Orphanet 564, MedGen C1970161, MONDO:0012626, OMIM 611134.
Bardet-Biedl syndrome 14 (BBS14). Identifiers: Orphanet 110, MedGen C2673874, MONDO:0014442, OMIM 615991.
Senior-Loken syndrome 6 (SLSN6). Identifiers: Orphanet 3156, MedGen C1857779, MONDO:0012433, OMIM 610189.
Leber congenital amaurosis 10 (LCA10). Identifiers: Orphanet 65, MedGen C1857821, MONDO:0012723, OMIM 611755.
Nephronophthisis. Also called: Juvenile Nephronophthisis. Identifiers: Orphanet 655, MedGen C0687120, MONDO:0019005, HP:0000090.
Meckel-Gruber syndrome. Also called: GRUBER SYNDROME; Dysencephalia splachnocystica; DYSENCEPHALIA SPLANCHNOCYSTICA. Identifiers: Orphanet 564, MedGen C0265215, MONDO:0018921.
Joubert syndrome. Also called: JOUBERT-BOLTSHAUSER SYNDROME; Familial aplasia of the vermis. Identifiers: Orphanet 475, MedGen C5979921, MONDO:0018772.
Leber congenital amaurosis (LCA). Also called: Leber's amaurosis. Identifiers: Orphanet 65, MedGen C0339527, MeSH D057130, MONDO:0018998.

Allele frequency attached by ClinVar (database versions not stated): gnomAD 0.00001; TOPMed 0.00003.

Submissions (4):

PreventionGenetics, part of Exact Sciences
Classification: Uncertain significance for CEP290-related condition. Last evaluated: 2026-07-13. Review status: criteria provided, single submitter. Criteria: ACMG Guidelines, 2015. Collection method: clinical testing. Allele origin: germline.
Comment: The CEP290 c.4045A>G variant is predicted to result in the amino acid substitution p.Met1349Val. To our knowledge, this variant has not been reported in the literature or in a large population database (gnomAD), indicating this variant is rare. At this time, the clinical significance of this variant is uncertain due to the absence of conclusive functional and genetic evidence.

Labcorp Genetics (formerly Invitae), Labcorp
Classification: Uncertain significance for Joubert syndrome; Meckel-Gruber syndrome; Nephronophthisis. Last evaluated: 2025-01-13. Review status: criteria provided, single submitter. Criteria: Invitae Variant Classification Sherloc (09022015). Collection method: clinical testing. Allele origin: germline.
Comment: This sequence change replaces methionine, which is neutral and non-polar, with valine, which is neutral and non-polar, at codon 1349 of the CEP290 protein (p.Met1349Val). This variant is not present in population databases (gnomAD no frequency). This variant has not been reported in the literature in individuals affected with CEP290-related conditions. ClinVar contains an entry for this variant (Variation ID: 461784). Invitae Evidence Modeling of protein sequence and biophysical properties (such as structural, functional, and spatial information, amino acid conservation, physicochemical variation, residue mobility, and thermodynamic stability) indicates that this missense variant is not expected to disrupt CEP290 protein function with a negative predictive value of 80%. In summary, the available evidence is currently insufficient to determine the role of this variant in disease. Therefore, it has been classified as a Variant of Uncertain Significance.

Fulgent Genetics
Classification: Uncertain significance for Joubert syndrome 5; Senior-Loken syndrome 6; Meckel syndrome, type 4; Leber congenital amaurosis 10; Bardet-Biedl syndrome 14. Last evaluated: 2024-06-03. Review status: criteria provided, single submitter. Criteria: ACMG Guidelines, 2015. Collection method: clinical testing. Allele origin: germline.

Natera, Inc.
Classification: Uncertain significance for Leber congenital amaurosis. Last evaluated: 2020-09-16. Review status: no assertion criteria provided. Collection method: clinical testing. Allele origin: germline. Not counted in ClinVar's aggregate classification.